The following is an entry in ClinVar:

ClinVar aggregate classification (germline): Uncertain significance (1 of 4 stars; one submission).

Conditions:
Disseminated atypical mycobacterial infection. Identifiers: MedGen C0694566.

Submission:

Labcorp Genetics (formerly Invitae), Labcorp
Classification: Uncertain significance for Disseminated atypical mycobacterial infection. Last evaluated: 2025-03-10. Review status: criteria provided, single submitter. Criteria: Invitae Variant Classification Sherloc (09022015). Collection method: clinical testing. Allele origin: germline.
Comment: This sequence change replaces cysteine, which is neutral and slightly polar, with tryptophan, which is neutral and slightly polar, at codon 418 of the IFNGR1 protein (p.Cys418Trp). This variant is not present in population databases (gnomAD no frequency). This variant has not been reported in the literature in individuals affected with IFNGR1-related conditions. Invitae Evidence Modeling of protein sequence and biophysical properties (such as structural, functional, and spatial information, amino acid conservation, physicochemical variation, residue mobility, and thermodynamic stability) indicates that this missense variant is not expected to disrupt IFNGR1 protein function with a negative predictive value of 80%. In summary, the available evidence is currently insufficient to determine the role of this variant in disease. Therefore, it has been classified as a Variant of Uncertain Significance.

NM_000416.3(IFNGR1):c.1254T>G (p.Cys418Trp)

Gene: IFNGR1 (interferon gamma receptor 1; minus strand). Cytogenetic location: 6q23.3.
Variant type: single nucleotide variant.
Coding change: c.1254T>G on transcript NM_000416.3 (MANE Select); coding-DNA position 1254, T replaced by G.
Protein change: p.Cys418Trp; replaces cysteine 418 with tryptophan.
Molecular consequence: missense variant.
Genome position (GRCh38, 1-based): chr6:137,198,247, A>C on the plus strand (T>G on the coding strand, the complement: IFNGR1 is on the minus strand). VCF-style: chr6-137198247-A-C. GRCh37 (hg19) VCF-style: chr6-137519384-A-C.
Other names: c.1224T>G, p.Cys408Trp (NM_001363526.1); c.1131T>G, p.Cys377Trp (NM_001363527.1); short protein forms C377W, C408W, C418W.
Identifiers: ClinVar variation 4741573 (VCV004741573.1).
Genomic context (GRCh38, chr6:137,198,247, plus strand): 5'-TATTTCACCTTTATTATTTGGGGGAAATTCTGAGTCAGATAAGGAGCTATGTGATTCCAG[A>C]CAGCTGGAATCAGTATCAAAACCATTTCTGGAGTGATCACTCTCAGAACAATTTCTGGAG-3'
Protein context (NP_000407.1, residues 408-428): SRNGFDTDSS[Cys418Trp]LESHSSLSDS